The following is an entry in ClinVar:

ClinVar aggregate classification (germline): Uncertain significance. Review status: criteria provided, multiple submitters, no conflicts (2 of 4 stars). 2 submissions from 2 submitters: Uncertain significance (2). Last evaluated 2022-07-05.

Allele frequency attached by ClinVar (database versions not stated): ExAC 0.00001; gnomAD exomes 0.00001.
gnomAD v4.1: 13 of 1,207,774 alleles (0.0011%); highest among the groups gnomAD compares: Non-Finnish European, 0.0015%; no homozygotes.

Submissions (2):

Mayo Clinic Laboratories, Mayo Clinic
Classification: Uncertain significance. Last evaluated: 2022-07-05. Review status: criteria provided, single submitter. Criteria: ACMG Guidelines, 2015. Collection method: clinical testing. Allele origin: germline. Observed: 1 variant allele.
Comment: PM2

Labcorp Genetics (formerly Invitae), Labcorp
Classification: Uncertain significance. Last evaluated: 2022-06-29. Review status: criteria provided, single submitter. Criteria: Invitae Variant Classification Sherloc (09022015). Collection method: clinical testing. Allele origin: germline.
Comment: This sequence change replaces aspartic acid, which is acidic and polar, with asparagine, which is neutral and polar, at codon 351 of the COL4A6 protein (p.Asp351Asn). This variant is present in population databases (rs771431031, gnomAD 0.003%). This variant has not been reported in the literature in individuals affected with COL4A6-related conditions. Algorithms developed to predict the effect of missense changes on protein structure and function are either unavailable or do not agree on the potential impact of this missense change (SIFT: "Tolerated"; PolyPhen-2: "Not Available"; Align-GVGD: "Class C0"). Algorithms developed to predict the effect of sequence changes on RNA splicing suggest that this variant may disrupt the consensus splice site. In summary, the available evidence is currently insufficient to determine the role of this variant in disease. Therefore, it has been classified as a Variant of Uncertain Significance.

NM_033641.4(COL4A6):c.1048G>A (p.Asp350Asn)

Gene: COL4A6 (collagen type IV alpha 6 chain; minus strand). Cytogenetic location: Xq22.3.
Variant type: single nucleotide variant.
Coding change: c.1048G>A on transcript NM_033641.4 (MANE Select); coding-DNA position 1048, G replaced by A.
Protein change: p.Asp350Asn; replaces aspartic acid 350 with asparagine.
Molecular consequence: missense variant.
Genome position (GRCh38, 1-based): chrX:108,193,652, C>T on the plus strand (G>A on the coding strand, the complement: COL4A6 is on the minus strand). VCF-style: chrX-108193652-C-T. GRCh37 (hg19) VCF-style: chrX-107436882-C-T.
Other names: p.Asp351Asn; c.1048G>A, p.Asp350Asn (NM_001287758.2, NM_001287759.2, NM_001287760.2); c.1051G>A, p.Asp351Asn (NM_001847.4); c.1051G>A (NM_001847.3); short protein forms D351N, D350N.
Identifiers: ClinVar variation 2150878 (VCV002150878.5), dbSNP rs771431031, ClinGen allele CA10487918.